The following is an entry in ClinVar:

NM_177438.3(DICER1):c.5749C>T (p.Pro1917Ser)

Gene: DICER1 (dicer 1, ribonuclease III; minus strand). Cytogenetic location: 14q32.13.
Variant type: single nucleotide variant.
Coding change: c.5749C>T on transcript NM_177438.3 (MANE Select); coding-DNA position 5749, C replaced by T.
Protein change: p.Pro1917Ser; replaces proline 1917 with serine.
Molecular consequence: missense variant. On other transcripts: 3 prime UTR variant (1).
Genome position (GRCh38, 1-based): chr14:95,090,518, G>A on the plus strand (C>T on the coding strand, the complement: DICER1 is on the minus strand). VCF-style: chr14-95090518-G-A. GRCh37 (hg19) VCF-style: chr14-95556855-G-A.
Other names: c.*96C>T (NM_001195573.1); c.5749C>T, p.Pro1917Ser (NM_001271282.3, NM_001291628.2, NM_030621.4); short protein forms P1917S.
Identifiers: ClinVar variation 858284 (VCV000858284.11), dbSNP rs1889698460, ClinGen allele CA390862911.

ClinVar aggregate classification (germline): Uncertain significance (1 of 4 stars; one submission).

Conditions:
DICER1-related tumor predisposition. Also called: DICER1 syndrome; DICER1-related pleuropulmonary blastoma cancer predisposition syndrome. Identifiers: Orphanet 284343, MedGen C3839822, MONDO:0100216.

Submission:

Labcorp Genetics (formerly Invitae), Labcorp
Classification: Uncertain significance for DICER1-related tumor predisposition. Last evaluated: 2019-02-18. Review status: criteria provided, single submitter. Criteria: Invitae Variant Classification Sherloc (09022015). Collection method: clinical testing. Allele origin: germline.
Comment: Algorithms developed to predict the effect of missense changes on protein structure and function (SIFT, PolyPhen-2, Align-GVGD) all suggest that this variant is likely to be tolerated, but these predictions have not been confirmed by published functional studies and their clinical significance is uncertain. In summary, the available evidence is currently insufficient to determine the role of this variant in disease. Therefore, it has been classified as a Variant of Uncertain Significance. This variant has not been reported in the literature in individuals with DICER1-related conditions. This variant is not present in population databases (ExAC no frequency). This sequence change replaces proline with serine at codon 1917 of the DICER1 protein (p.Pro1917Ser). The proline residue is highly conserved and there is a moderate physicochemical difference between proline and serine.